The following is an entry in ClinVar:

ClinVar aggregate classification (germline): Uncertain significance (1 of 4 stars; one submission).

Conditions:
Hereditary cancer-predisposing syndrome. Also called: Neoplastic Syndromes, Hereditary; Tumor predisposition; Hereditary Cancer Syndrome; Hereditary neoplastic syndrome. Identifiers: Orphanet 140162, MedGen C0027672, MeSH D009386, MONDO:0015356.

Allele frequency attached by ClinVar (database versions not stated): ExAC 0.00001.
gnomAD v4.1: 1 of 1,613,772 alleles (0.000062%); highest among the groups gnomAD compares: South Asian, 0.0011%; no homozygotes.

Submission:

Ambry Genetics
Classification: Uncertain significance for Hereditary cancer-predisposing syndrome. Last evaluated: 2026-06-02. Review status: criteria provided, single submitter. Criteria: Ambry Variant Classification Scheme 2023. Collection method: clinical testing. Allele origin: germline.
Comment: The p.T143R variant (also known as c.428C>G), located in coding exon 4 of the SDHA gene, results from a C to G substitution at nucleotide position 428. The threonine at codon 143 is replaced by arginine, an amino acid with similar properties. This amino acid position is highly conserved in available vertebrate species. In addition, this alteration is predicted to be deleterious by in silico analysis. Based on the available evidence, the clinical significance of this variant remains unclear.

NM_004168.4(SDHA):c.428C>G (p.Thr143Arg)

Gene: SDHA (succinate dehydrogenase complex flavoprotein subunit A; plus strand). Cytogenetic location: 5p15.33.
Variant type: single nucleotide variant.
Coding change: c.428C>G on transcript NM_004168.4 (MANE Select); coding-DNA position 428, C replaced by G.
Protein change: p.Thr143Arg; replaces threonine 143 with arginine.
Molecular consequence: missense variant. On other transcripts: intron variant (1).
Genome position (GRCh38, 1-based): chr5:225,534, C>G. VCF-style: chr5-225534-C-G. GRCh37 (hg19) VCF-style: chr5-225649-C-G.
Other names: c.428C>G, p.Thr143Arg (NM_001330758.2); c.313-349C>G (NM_001294332.2); short protein forms T143R.
Identifiers: ClinVar variation 1739409 (VCV001739409.3), dbSNP rs200675907, ClinGen allele CA3172815.